The following is an entry in ClinVar:

ClinVar aggregate classification (germline): Uncertain significance (1 of 4 stars; one submission).

gnomAD v4.1: 15 of 1,613,830 alleles (0.00093%); highest among the groups gnomAD compares: African/African-American, 0.004%; no homozygotes.

Submission:

GeneDx
Classification: Uncertain significance. Last evaluated: 2025-04-28. Review status: criteria provided, single submitter. Criteria: GeneDx Variant Classification Process June 2021. Collection method: clinical testing. Allele origin: germline. Affected: yes.
Comment: Not observed at significant frequency in large population cohorts (gnomAD); In silico analysis indicates that this missense variant does not alter protein structure/function; Has not been previously published as pathogenic or benign to our knowledge

NM_001042702.5(PJVK):c.275G>A (p.Arg92Gln)

Gene: PJVK (pejvakin; plus strand). Cytogenetic location: 2q31.2.
Variant type: single nucleotide variant.
Coding change: c.275G>A on transcript NM_001042702.5 (MANE Select); coding-DNA position 275, G replaced by A.
Protein change: p.Arg92Gln; replaces arginine 92 with glutamine.
Molecular consequence: missense variant. On other transcripts: 5 prime UTR variant (2).
Genome position (GRCh38, 1-based): chr2:178,454,395, G>A. VCF-style: chr2-178454395-G-A. GRCh37 (hg19) VCF-style: chr2-179319122-G-A.
Other names: c.284G>A, p.Arg95Gln (NM_001353775.2); c.380G>A, p.Arg127Gln (NM_001353776.2); c.-203G>A (NM_001353777.1, NM_001353778.2); c.275G>A, p.Arg92Gln (NM_001369912.1); short protein forms R127Q, R92Q, R95Q.
Identifiers: ClinVar variation 4527081 (VCV004527081.1).